The following is an entry in ClinVar:

ClinVar aggregate classification (germline): Pathogenic (1 of 4 stars; one submission).

Conditions:
Hypogonadotropic hypogonadism 1 with or without anosmia (HH1). Also called: Kallmann syndrome, type 1, X-linked; DYSPLASIA OLFACTOGENITALIS OF DE MORSIER; Hypogonadotropic hypogonadism 1 with or without anosmia (Kallmann syndrome 1); HYPOGONADOTROPIC HYPOGONADISM 1 WITH ANOSMIA; KAL1-Related GnRH Deficiency (Kallmann Syndrome 1; Kallmann Syndrome, X-Linked); HYPOGONADOTROPIC HYPOGONADISM AND ANOSMIA. Identifiers: Orphanet 478, MedGen C1563719, MONDO:0010635, OMIM 308700. Disease mechanism: loss of function.

Submission:

Labcorp Genetics (formerly Invitae), Labcorp
Classification: Pathogenic for Hypogonadotropic hypogonadism 1 with or without anosmia. Last evaluated: 2021-11-04. Review status: criteria provided, single submitter. Criteria: Invitae Variant Classification Sherloc (09022015). Collection method: clinical testing. Allele origin: germline.
Comment: This sequence change creates a premature translational stop signal (p.Gln196*) in the ANOS1 gene. It is expected to result in an absent or disrupted protein product. Loss-of-function variants in ANOS1 are known to be pathogenic (PMID: 8504298, 11297579). For these reasons, this variant has been classified as Pathogenic. This variant has not been reported in the literature in individuals affected with ANOS1-related conditions. This variant is not present in population databases (gnomAD no frequency).

Literature cited by the submitters: PubMed 8504298; PubMed 11297579.

NM_000216.4(ANOS1):c.586C>T (p.Gln196Ter)

Gene: ANOS1 (anosmin 1; minus strand). Cytogenetic location: Xp22.31.
Variant type: single nucleotide variant.
Coding change: c.586C>T on transcript NM_000216.4 (MANE Select); coding-DNA position 586, C replaced by T.
Protein change: p.Gln196Ter; replaces glutamine 196 with a stop codon.
Molecular consequence: nonsense.
Genome position (GRCh38, 1-based): chrX:8,587,934, G>A on the plus strand (C>T on the coding strand, the complement: ANOS1 is on the minus strand). VCF-style: chrX-8587934-G-A. GRCh37 (hg19) VCF-style: chrX-8555975-G-A.
Other names: short protein forms Q196*.
Identifiers: ClinVar variation 1437964 (VCV001437964.6), dbSNP rs2146819334, ClinGen allele CA412024132.